The following is an entry in ClinVar:

NM_002473.6(MYH9):c.1303A>C (p.Lys435Gln)

Gene: MYH9 (myosin heavy chain 9; minus strand). Cytogenetic location: 22q12.3.
Variant type: single nucleotide variant.
Coding change: c.1303A>C on transcript NM_002473.6 (MANE Select); coding-DNA position 1303, A replaced by C.
Protein change: p.Lys435Gln; replaces lysine 435 with glutamine.
Molecular consequence: missense variant.
Genome position (GRCh38, 1-based): chr22:36,316,594, T>G on the plus strand (A>C on the coding strand, the complement: MYH9 is on the minus strand). VCF-style: chr22-36316594-T-G. GRCh37 (hg19) VCF-style: chr22-36712639-T-G.
Other names: short protein forms K435Q.
Identifiers: ClinVar variation 3618830 (VCV003618830.2).

ClinVar aggregate classification (germline): Uncertain significance (1 of 4 stars; one submission).

gnomAD v4.1: 4 of 1,614,120 alleles (0.00025%); highest among the groups gnomAD compares: Non-Finnish European, 0.00034%; no homozygotes.

Submission:

Labcorp Genetics (formerly Invitae), Labcorp
Classification: Uncertain significance. Last evaluated: 2024-07-18. Review status: criteria provided, single submitter. Criteria: Invitae Variant Classification Sherloc (09022015). Collection method: clinical testing. Allele origin: germline.
Comment: This sequence change replaces lysine, which is basic and polar, with glutamine, which is neutral and polar, at codon 435 of the MYH9 protein (p.Lys435Gln). This variant is not present in population databases (gnomAD no frequency). This variant has not been reported in the literature in individuals affected with MYH9-related conditions. Advanced modeling of protein sequence and biophysical properties (such as structural, functional, and spatial information, amino acid conservation, physicochemical variation, residue mobility, and thermodynamic stability) performed at Invitae indicates that this missense variant is not expected to disrupt MYH9 protein function with a negative predictive value of 95%. In summary, the available evidence is currently insufficient to determine the role of this variant in disease. Therefore, it has been classified as a Variant of Uncertain Significance.